The following is an entry in ClinVar:

ClinVar aggregate classification (germline): Uncertain significance (1 of 4 stars; one submission).

Conditions:
Hereditary breast ovarian cancer syndrome. Also called: BRCA1- and BRCA2-Associated Hereditary Breast and Ovarian Cancer; Hereditary breast and/or ovarian cancer syndrome; Hereditary breast and ovarian cancer syndrome; Hereditary breast and ovarian cancer; Breast and ovarian cancer; Hereditary breast and ovarian cancer syndrome (HBOC). Identifiers: Orphanet 145, MedGen C0677776, MeSH D061325, MONDO:0003582. Disease mechanism: loss of function.

Submission:

Labcorp Genetics (formerly Invitae), Labcorp
Classification: Uncertain significance for Hereditary breast ovarian cancer syndrome. Last evaluated: 2019-06-18. Review status: criteria provided, single submitter. Criteria: Invitae Variant Classification Sherloc (09022015). Collection method: clinical testing. Allele origin: germline.
Comment: In summary, the available evidence is currently insufficient to determine the role of this variant in disease. Therefore, it has been classified as a Variant of Uncertain Significance. Algorithms developed to predict the effect of missense changes on protein structure and function are either unavailable or do not agree on the potential impact of this missense change (SIFT: "Tolerated"; PolyPhen-2: "Possibly Damaging"; Align-GVGD: "Class C0"). This variant has been reported in individuals in the Leiden Open-source Variation Database (PMID: 21520333). This variant is not present in population databases (ExAC no frequency). This sequence change replaces serine with arginine at codon 140 of the BRCA2 protein (p.Ser140Arg). The serine residue is moderately conserved and there is a moderate physicochemical difference between serine and arginine.

Literature cited by the submitters: PubMed 21520333.

NM_000059.4(BRCA2):c.418A>C (p.Ser140Arg)

Gene: BRCA2 (BRCA2 DNA repair associated; plus strand). Cytogenetic location: 13q13.1.
Variant type: single nucleotide variant.
Coding change: c.418A>C on transcript NM_000059.4 (MANE Select); coding-DNA position 418, A replaced by C.
Protein change: p.Ser140Arg; replaces serine 140 with arginine.
Molecular consequence: missense variant.
Genome position (GRCh38, 1-based): chr13:32,325,177, A>C. VCF-style: chr13-32325177-A-C. GRCh37 (hg19) VCF-style: chr13-32899314-A-C.
Other names: short protein forms S140R.
Identifiers: ClinVar variation 938495 (VCV000938495.10), dbSNP rs80358662, ClinGen allele CA387756764.